The following is an entry in ClinVar:

NM_017950.4(CCDC40):c.2711+1G>A

Gene: CCDC40 (coiled-coil domain 40 molecular ruler complex subunit; plus strand). Cytogenetic location: 17q25.3.
Variant type: single nucleotide variant.
Coding change: c.2711+1G>A on transcript NM_017950.4 (MANE Select); the canonical splice donor site of the intron after coding-DNA position 2711, G replaced by A.
Molecular consequence: splice donor variant.
Genome position (GRCh38, 1-based): chr17:80,088,103, G>A. VCF-style: chr17-80088103-G-A. GRCh37 (hg19) VCF-style: chr17-78061902-G-A.
Other names: c.2711+1G>A (NM_001243342.2).
Identifiers: ClinVar variation 1968417 (VCV001968417.5), dbSNP rs2143755133, ClinGen allele CA401349890.

ClinVar aggregate classification (germline): Likely pathogenic (1 of 4 stars; one submission).

Conditions:
Primary ciliary dyskinesia. Also called: Ciliary dyskinesia. Identifiers: Orphanet 244, MedGen C0008780, MONDO:0016575, HP:0012265.

Submission:

Labcorp Genetics (formerly Invitae), Labcorp
Classification: Likely pathogenic for Primary ciliary dyskinesia. Last evaluated: 2022-04-23. Review status: criteria provided, single submitter. Criteria: Invitae Variant Classification Sherloc (09022015). Collection method: clinical testing. Allele origin: germline.
Comment: This variant has not been reported in the literature in individuals affected with CCDC40-related conditions. This sequence change affects a donor splice site in intron 16 of the CCDC40 gene. It is expected to disrupt RNA splicing. Variants that disrupt the donor or acceptor splice site typically lead to a loss of protein function (PMID: 16199547), and loss-of-function variants in CCDC40 are known to be pathogenic (PMID: 21131974, 22693285, 23255504). This variant is not present in population databases (gnomAD no frequency). Algorithms developed to predict the effect of sequence changes on RNA splicing suggest that this variant may disrupt the consensus splice site. In summary, the currently available evidence indicates that the variant is pathogenic, but additional data are needed to prove that conclusively. Therefore, this variant has been classified as Likely Pathogenic.

Literature cited by the submitters: PubMed 16199547; PubMed 21131974; PubMed 22693285; PubMed 23255504.